The following is an entry in ClinVar:

ClinVar aggregate classification (germline): Pathogenic. Review status: criteria provided, multiple submitters, no conflicts (2 of 4 stars). 8 submissions from 8 submitters: Pathogenic (7). 1 of the submissions does not count toward it. Last evaluated 2024-06-24.

Conditions:
Brain small vessel disease 1 with or without ocular anomalies (BSVD1). Also called: GOULD SYNDROME 1; PORENCEPHALY, TYPE 1, AUTOSOMAL DOMINANT; BRAIN SMALL VESSEL DISEASE WITH HEMORRHAGE; Brain small vessel disease with or without ocular anomalies. Identifiers: Orphanet 2940, Orphanet 36383, Orphanet 99810, MedGen C4755307, MONDO:0008289, OMIM 175780.
Inborn genetic diseases. Identifiers: MedGen C0950123, MeSH D030342.
Autosomal dominant familial hematuria-retinal arteriolar tortuosity-contractures syndrome. Also called: Angiopathy, hereditary, with nephropathy, aneurysms, and muscle cramps; Hereditary Angiopathy with Nephropathy, Aneurysms, and Muscle Cramps (HANAC) Syndrome. Identifiers: Orphanet 73229, MedGen C2673195, MONDO:0012726, OMIM 611773.

Allele frequency attached by ClinVar (database versions not stated): gnomAD exomes below 0.00001.
gnomAD v4.1: 1 of 1,614,112 alleles (0.000062%); highest among the groups gnomAD compares: Non-Finnish European, 0.000085%; no homozygotes.

Submissions (8):

Labcorp Genetics (formerly Invitae), Labcorp
Classification: Pathogenic. Last evaluated: 2024-06-24. Review status: criteria provided, single submitter. Criteria: Invitae Variant Classification Sherloc (09022015). Collection method: clinical testing. Allele origin: germline.
Comment: This sequence change replaces glycine, which is neutral and non-polar, with arginine, which is basic and polar, at codon 755 of the COL4A1 protein (p.Gly755Arg). This variant is not present in population databases (gnomAD no frequency). This missense change has been observed in individual(s) with clinical features of hereditary angiopathy with nephropathy, aneurysms and muscle cramps (PMID: 19477666, 20385946, 20733150). In at least one individual the variant was observed to be de novo. ClinVar contains an entry for this variant (Variation ID: 161974). An algorithm developed to predict the effect of missense changes on protein structure and function (PolyPhen-2) suggests that this variant is likely to be disruptive. This variant disrupts the triple helix domain of COL4A1. Glycine residues within the Gly-Xaa-Yaa repeats of the triple helix domain are required for the structure and stability of fibrillar collagens (PMID: 7695699, 8218237, 19344236). In COL4A1 variants affecting these glycine residues are significantly enriched in individuals with disease (PMID: 9016532, 17078022) compared to the general population (ExAC). For these reasons, this variant has been classified as Pathogenic.

Mayo Clinic Laboratories, Mayo Clinic
Classification: Pathogenic. Last evaluated: 2024-06-12. Review status: criteria provided, single submitter. Criteria: ACMG Guidelines, 2015. Collection method: clinical testing. Allele origin: germline. Observed: 1 variant allele.
Comment: PP3, PM1_strong, PM2, PS2_moderate, PS4_moderate

Ambry Genetics
Classification: Pathogenic for Inborn genetic diseases. Last evaluated: 2023-10-18. Review status: criteria provided, single submitter. Criteria: Ambry Variant Classification Scheme 2023. Collection method: clinical testing. Allele origin: germline.
Comment: The c.2263G>A (p.G755R) alteration is located in exon 30 (coding exon 30) of the COL4A1 gene. This alteration results from a G to A substitution at nucleotide position 2263, causing the glycine (G) at amino acid position 755 to be replaced by an arginine (R). This variant was not reported in population-based cohorts in the Genome Aggregation Database (gnomAD). This variant has been determined to be the result of a de novo mutation in two individuals with features consistent with COL4A1-related disorders (May, 2021; Itai, 2021). This amino acid position is highly conserved in available vertebrate species. This alteration is predicted to be deleterious by in silico analysis. Based on the available evidence, this alteration is classified as pathogenic.

GeneDx
Classification: Pathogenic. Last evaluated: 2022-02-09. Review status: criteria provided, single submitter. Criteria: GeneDx Variant Classification Process June 2021. Collection method: clinical testing. Allele origin: germline. Affected: yes.
Comment: Affects a glycine residue in a Gly-X-Y motif in the triple helical region of the COL4A1 gene, where the majority of pathogenic missense variants occur, and is predicted to disrupt normal protein folding and function (HGMD); Not observed at significant frequency in large population cohorts (gnomAD); In silico analysis supports that this missense variant has a deleterious effect on protein structure/function; This variant is associated with the following publications: (PMID: 34114234, 20733150, 20385946, 30653986, 19477666)

CeGaT Center for Human Genetics Tuebingen
Classification: Pathogenic. Last evaluated: 2021-04-01. Review status: criteria provided, single submitter. Criteria: CeGaT Center For Human Genetics Tuebingen Variant Classification Criteria Version 2. Collection method: clinical testing. Allele origin: germline. Affected: yes. Observed: 1 variant allele.

Mendelics
Classification: Pathogenic for Autosomal dominant familial hematuria-retinal arteriolar tortuosity-contractures syndrome. Last evaluated: 2019-05-28. Review status: criteria provided, single submitter. Criteria: Mendelics Assertion Criteria 2017. Collection method: clinical testing. Allele origin: unknown.

Athena Diagnostics
Classification: Pathogenic. Last evaluated: 2018-05-14. Review status: criteria provided, single submitter. Criteria: Athena Diagnostics Criteria. Collection method: clinical testing. Allele origin: germline.

OMIM
Classification: Pathogenic for BRAIN SMALL VESSEL DISEASE 1 WITH OCULAR ANOMALIES. Last evaluated: 2012-06-01. Review status: no assertion criteria provided. Collection method: literature only. Allele origin: germline. Not counted in ClinVar's aggregate classification.

Literature cited by the submitters: PubMed 19477666 (cited by 3 submitters); PubMed 20385946 (cited by 4 submitters); PubMed 20733150 (cited by 3 submitters); PubMed 7695699 (cited by Labcorp Genetics (formerly Invitae), Labcorp); PubMed 8218237 (cited by Labcorp Genetics (formerly Invitae), Labcorp); PubMed 19344236 (cited by Labcorp Genetics (formerly Invitae), Labcorp); PubMed 9016532 (cited by Labcorp Genetics (formerly Invitae), Labcorp); PubMed 17078022 (cited by Labcorp Genetics (formerly Invitae), Labcorp); PubMed 30653986 (cited by Mayo Clinic Laboratories, Mayo Clinic); PubMed 32732225 (cited by Mayo Clinic Laboratories, Mayo Clinic and Ambry Genetics); PubMed 37644014 (cited by Mayo Clinic Laboratories, Mayo Clinic); PubMed 34114234 (cited by Ambry Genetics); PubMed 22522439 (cited by Athena Diagnostics); PubMed 22574627 (cited by Athena Diagnostics and OMIM).

NM_001845.6(COL4A1):c.2263G>A (p.Gly755Arg)

Gene: COL4A1 (collagen type IV alpha 1 chain; minus strand). Cytogenetic location: 13q34.
Variant type: single nucleotide variant.
Coding change: c.2263G>A on transcript NM_001845.6 (MANE Select); coding-DNA position 2263, G replaced by A.
Protein change: p.Gly755Arg; replaces glycine 755 with arginine.
Molecular consequence: missense variant.
Genome position (GRCh38, 1-based): chr13:110,179,352, C>T on the plus strand (G>A on the coding strand, the complement: COL4A1 is on the minus strand). VCF-style: chr13-110179352-C-T. GRCh37 (hg19) VCF-style: chr13-110831699-C-T.
Other names: p.Gly755Arg; short protein forms G755R.
Identifiers: ClinVar variation 161974 (VCV000161974.47), dbSNP rs672601346, ClinGen allele CA273009.
Genomic context (GRCh38, chr13:110,179,352, plus strand): 5'-GGGGTCCGATCGCTCCATGTTCTCCAGGAACGCCTGGTACCCCAATGCTCCCCTTCTCCC[C>T]GGGTGTGCCAGGAATGCCGGGAAGACCTGGCAAACCTTTGAGTCCCGGTAGACCAACTCC-3'
Protein context (NP_001836.3, residues 745-765): PGLPGIPGTP[Gly755Arg]EKGSIGVPGV